The following is an entry in ClinVar:

ClinVar aggregate classification (germline): Uncertain significance. Review status: criteria provided, multiple submitters, no conflicts (2 of 4 stars). 2 submissions from 2 submitters: Uncertain significance (2). Last evaluated 2022-10-05.

Allele frequency attached by ClinVar (database versions not stated): gnomAD exomes below 0.00001.
gnomAD v4.1: 6 of 1,604,246 alleles (0.00037%); highest among the groups gnomAD compares: South Asian, 0.0011%; no homozygotes.

Submissions (2):

Labcorp Genetics (formerly Invitae), Labcorp
Classification: Uncertain significance. Last evaluated: 2022-10-05. Review status: criteria provided, single submitter. Criteria: Invitae Variant Classification Sherloc (09022015). Collection method: clinical testing. Allele origin: germline.
Comment: In summary, the available evidence is currently insufficient to determine the role of this variant in disease. Therefore, it has been classified as a Variant of Uncertain Significance. Advanced modeling of protein sequence and biophysical properties (such as structural, functional, and spatial information, amino acid conservation, physicochemical variation, residue mobility, and thermodynamic stability) has been performed at Invitae for this missense variant, however the output from this modeling did not meet the statistical confidence thresholds required to predict the impact of this variant on RERE protein function. ClinVar contains an entry for this variant (Variation ID: 1313426). This variant has not been reported in the literature in individuals affected with RERE-related conditions. The frequency data for this variant in the population databases is considered unreliable, as metrics indicate poor data quality at this position in the gnomAD database. This sequence change replaces glutamic acid, which is acidic and polar, with lysine, which is basic and polar, at codon 1328 of the RERE protein (p.Glu1328Lys).

GeneDx
Classification: Uncertain significance. Last evaluated: 2020-10-16. Review status: criteria provided, single submitter. Criteria: GeneDx Variant Classification Process June 2021. Collection method: clinical testing. Allele origin: germline. Affected: yes.
Comment: In silico analysis supports a deleterious effect on splicing; In silico analysis supports that this missense variant has a deleterious effect on protein structure/function; Has not been previously published as pathogenic or benign to our knowledge

NM_001042681.2(RERE):c.3982G>A (p.Glu1328Lys)

Gene: RERE (arginine-glutamic acid dipeptide repeats; minus strand). Cytogenetic location: 1p36.23.
Variant type: single nucleotide variant.
Coding change: c.3982G>A on transcript NM_001042681.2 (MANE Select); coding-DNA position 3982, G replaced by A.
Protein change: p.Glu1328Lys; replaces glutamic acid 1328 with lysine.
Molecular consequence: missense variant.
Genome position (GRCh38, 1-based): chr1:8,358,553, C>T on the plus strand (G>A on the coding strand, the complement: RERE is on the minus strand). VCF-style: chr1-8358553-C-T. GRCh37 (hg19) VCF-style: chr1-8418613-C-T.
Other names: c.2320G>A, p.Glu774Lys (NM_001042682.2); c.3982G>A, p.Glu1328Lys (NM_012102.4); short protein forms E1328K, E774K.
Identifiers: ClinVar variation 1313426 (VCV001313426.6), dbSNP rs1320714042, ClinGen allele CA338169449.